The following is an entry in ClinVar:

ClinVar aggregate classification (germline): Uncertain significance (1 of 4 stars; one submission).

Conditions:
CC2D2A-related disorder. Also called: CC2D2A-related condition; CC2D2A-related disorders. Identifiers: MedGen CN239313.

gnomAD v4.1: 3 of 454,730 alleles (0.00066%); highest among the groups gnomAD compares: Admixed American, 0.0024%; no homozygotes.

Submission:

PreventionGenetics, part of Exact Sciences
Classification: Uncertain significance for CC2D2A-related condition. Last evaluated: 2026-06-01. Review status: criteria provided, single submitter. Criteria: ACMG Guidelines, 2015. Collection method: clinical testing. Allele origin: germline.
Comment: The CC2D2A c.298G>A variant is predicted to result in the amino acid substitution p.Val100Ile. To our knowledge, this variant has not been reported in the literature or in a large population database (gnomAD), indicating this variant is rare. At this time, the clinical significance of this variant is uncertain due to the absence of conclusive functional and genetic evidence.

NM_001378615.1(CC2D2A):c.247+420G>A

Genes: CC2D2A (coiled-coil and C2 domain containing 2A; plus strand), FBXL5 (F-box and leucine rich repeat protein 5; minus strand). Cytogenetic location: 4p15.32.
Variant type: single nucleotide variant.
Coding change: c.247+420G>A on transcript NM_001378615.1 (MANE Select); 420 bases into the intron after coding-DNA position 247, G replaced by A.
Molecular consequence: intron variant. On other transcripts: missense variant (1), 3 prime UTR variant (1).
Genome position (GRCh38, 1-based): chr4:15,481,247, G>A. VCF-style: chr4-15481247-G-A. GRCh37 (hg19) VCF-style: chr4-15482871-G-A.
Other names: c.298G>A, p.Val100Ile (NM_001164720.3); c.*35G>A (NM_020785.2); c.247+420G>A (NM_001080522.2); c.100+420G>A (NM_001378617.1); short protein forms V100I.
Identifiers: ClinVar variation 4980274 (VCV004980274.1).